The following is an entry in ClinVar:

NM_000232.5(SGCB):c.185del (p.Gly62fs)

Gene: SGCB (sarcoglycan beta; minus strand). Cytogenetic location: 4q12.
Variant type: Deletion.
Coding change: c.185del on transcript NM_000232.5 (MANE Select); coding-DNA position 185, one base deleted (G; older notation c.185delG).
Protein change: p.Gly62fs; shifts the reading frame from glycine 62.
Molecular consequence: frameshift variant.
Genome position (GRCh38, 1-based): chr4:52,033,489, C deleted on the plus strand (G on the coding strand, the reverse complement: SGCB is on the minus strand); the first of 3 consecutive C bases (chr4:52,033,489-52,033,491); deleting any one gives the same sequence. VCF-style (leftmost placement, unchanged base first): chr4-52033488-GC-G. GRCh37 (hg19) VCF-style: chr4-52899654-GC-G.
Other names: c.185delG (NM_000232.5); short protein forms G62fs.
Identifiers: ClinVar variation 1180815 (VCV001180815.2), dbSNP rs2109375847, ClinGen allele CA2573052333.

ClinVar aggregate classification (germline): Pathogenic (1 of 4 stars; one submission).

Conditions:
Autosomal recessive limb-girdle muscular dystrophy type 2E (LGMDR4). Also called: MUSCULAR DYSTROPHY, LIMB-GIRDLE, AUTOSOMAL RECESSIVE 4. Identifiers: Orphanet 119, MedGen C1858593, MONDO:0011423, OMIM 604286. Disease mechanism: Affects gamma-sarcoglycan and also disrupts the integrity of the entire sarcoglycan complex..

Submission:

Kariminejad - Najmabadi Pathology & Genetics Center
Classification: Pathogenic for Autosomal recessive limb-girdle muscular dystrophy type 2E. Last evaluated: 2023-06-03. Review status: criteria provided, single submitter. Criteria: ACMG Guidelines, 2015. Collection method: clinical testing. Allele origin: germline. Inheritance: Autosomal recessive inheritance. Affected: yes.
Comment: PVS1-PM2-PP5